The following is an entry in ClinVar:

NM_000291.4(PGK1):c.1237G>A (p.Ala413Thr)

Gene: PGK1 (phosphoglycerate kinase 1; plus strand). Cytogenetic location: Xq21.1.
Variant type: single nucleotide variant.
Coding change: c.1237G>A on transcript NM_000291.4 (MANE Select); coding-DNA position 1237, G replaced by A.
Protein change: p.Ala413Thr; replaces alanine 413 with threonine.
Molecular consequence: missense variant.
Genome position (GRCh38, 1-based): chrX:78,125,813, G>A. VCF-style: chrX-78125813-G-A. GRCh37 (hg19) VCF-style: chrX-77381310-G-A.
Other names: short protein forms A413T.
Identifiers: ClinVar variation 1910892 (VCV001910892.7), dbSNP rs1474064335, ClinGen allele CA413720179.

ClinVar aggregate classification (germline): Uncertain significance. Review status: criteria provided, multiple submitters, no conflicts (2 of 4 stars). 2 submissions from 2 submitters: Uncertain significance (2). Last evaluated 2025-08-02.

Allele frequency attached by ClinVar (database versions not stated): TOPMed 0.00001; gnomAD exomes below 0.00001.
gnomAD v4.1: 2 of 1,203,091 alleles (0.00017%); highest among the groups gnomAD compares: Admixed American, 0.0022%; no homozygotes.

Submissions (2):

Dasa
Classification: Uncertain significance. Last evaluated: 2025-08-02. Review status: criteria provided, single submitter. Criteria: DASA Assertion Criteria. Collection method: clinical testing. Allele origin: germline.
Comment: NM_000291.4(PGK1):c.1237G>A (p.Ala413Thr) is a missense variant that results in the substitution of alanine with threonine. This variant is rare in population databases. Computational prediction algorithms are consistent with a deleterious effect. The currently available literature and clinical evidence are not sufficient to establish a definitive association between this variant and the reported condition. Therefore, this variant is classified as a variant of uncertain significance.

Labcorp Genetics (formerly Invitae), Labcorp
Classification: Uncertain significance. Last evaluated: 2022-06-08. Review status: criteria provided, single submitter. Criteria: Invitae Variant Classification Sherloc (09022015). Collection method: clinical testing. Allele origin: germline.
Comment: This sequence change replaces alanine, which is neutral and non-polar, with threonine, which is neutral and polar, at codon 413 of the PGK1 protein (p.Ala413Thr). This variant has not been reported in the literature in individuals affected with PGK1-related conditions. Algorithms developed to predict the effect of missense changes on protein structure and function (SIFT, PolyPhen-2, Align-GVGD) all suggest that this variant is likely to be tolerated. In summary, the available evidence is currently insufficient to determine the role of this variant in disease. Therefore, it has been classified as a Variant of Uncertain Significance. This variant is not present in population databases (gnomAD no frequency).